The following is an entry in ClinVar:

ClinVar aggregate classification (germline): Uncertain significance (1 of 4 stars; one submission).

Conditions:
Brachyolmia-amelogenesis imperfecta syndrome. Also called: PLATYSPONDYLY WITH AMELOGENESIS IMPERFECTA; Tooth agenesis, selective, 6; Dental anomalies and short stature. Identifiers: Orphanet 2899, MedGen C1832594, MONDO:0011018, OMIM 601216. Disease mechanism: loss of function.

Submission:

Labcorp Genetics (formerly Invitae), Labcorp
Classification: Uncertain significance for Brachyolmia-amelogenesis imperfecta syndrome. Last evaluated: 2026-01-26. Review status: criteria provided, single submitter. Criteria: Invitae Variant Classification Sherloc (09022015). Collection method: clinical testing. Allele origin: germline.
Comment: This sequence change replaces arginine, which is basic and polar, with glutamine, which is neutral and polar, at codon 735 of the LTBP3 protein (p.Arg735Gln). Information on the frequency of this variant in the gnomAD database is not available, as this variant may be reported differently in the database. This variant has not been reported in the literature in individuals affected with LTBP3-related conditions. An algorithm developed to predict the effect of missense changes on protein structure and function (PolyPhen-2) suggests that this variant is likely to be disruptive. In summary, the available evidence is currently insufficient to determine the role of this variant in disease. Therefore, it has been classified as a Variant of Uncertain Significance.

NM_001130144.3(LTBP3):c.2204_2205delinsAA (p.Arg735Gln)

Genes: LTBP3 (latent transforming growth factor beta binding protein 3; minus strand), LOC130006030 (ATAC-STARR-seq lymphoblastoid silent region 3533; plus strand). Cytogenetic location: 11q13.1.
Variant type: Indel.
Coding change: c.2204_2205delinsAA on transcript NM_001130144.3 (MANE Select); coding-DNA positions 2204 to 2205, GC replaced by AA.
Protein change: p.Arg735Gln; replaces arginine 735 with glutamine.
Molecular consequence: missense variant.
Genome position (GRCh38, 1-based): chr11:65,546,823-65,546,824, GC replaced by TT on the plus strand (GC replaced by AA on the coding strand, the reverse complement: LTBP3 is on the minus strand). VCF-style: chr11-65546823-GC-TT. GRCh37 (hg19) VCF-style: chr11-65314294-GC-TT.
Other names: c.1853_1854delinsAA, p.Arg618Gln (NM_001164266.1); c.2204_2205delinsAA, p.Arg735Gln (NM_021070.4); short protein forms R618Q, R735Q.
Identifiers: ClinVar variation 4768036 (VCV004768036.1).